The following is an entry in ClinVar:

ClinVar aggregate classification (germline): Uncertain significance (1 of 4 stars; one submission).

Allele frequency attached by ClinVar (database versions not stated): gnomAD exomes below 0.00001; TOPMed below 0.00001; gnomAD 0.00001.

Submission:

Women's Health and Genetics/Laboratory Corporation of America, LabCorp
Classification: Uncertain significance. Last evaluated: 2025-08-08. Review status: criteria provided, single submitter. Criteria: LabCorp Variant Classification Summary - May 2015. Collection method: clinical testing. Allele origin: germline.
Comment: Variant summary: NPC1 c.1883A>G (p.Tyr628Cys) results in a non-conservative amino acid change located in the Sterol-sensing domain (IPR000731) of the encoded protein sequence. Algorithms developed to predict the effect of missense changes on protein structure and function all suggest that this variant is likely to be disruptive. The variant was absent in 251448 control chromosomes. The available data on variant occurrences in the general population are insufficient to allow any conclusion about variant significance. c.1883A>G has been observed in at least one individual without reported genotype affected with Niemann-Pick Disease Type C who participated in the National NPC1 Disease Database (e.g., Garver_2010). These report(s) do not provide unequivocal conclusions about association of the variant with Niemann-Pick Disease Type C. To our knowledge, no experimental evidence demonstrating an impact on protein function has been reported. The following publication has been ascertained in the context of this evaluation (PMID: 19744920). ClinVar contains an entry for this variant (Variation ID: 1696115). Based on the evidence outlined above, the variant was classified as uncertain significance.

Literature cited by the submitters: PubMed 19744920.

NM_000271.5(NPC1):c.1883A>G (p.Tyr628Cys)

Gene: NPC1 (NPC intracellular cholesterol transporter 1; minus strand). Cytogenetic location: 18q11.2.
Variant type: single nucleotide variant.
Coding change: c.1883A>G on transcript NM_000271.5 (MANE Select); coding-DNA position 1883, A replaced by G.
Protein change: p.Tyr628Cys; replaces tyrosine 628 with cysteine.
Molecular consequence: missense variant.
Genome position (GRCh38, 1-based): chr18:23,545,024, T>C on the plus strand (A>G on the coding strand, the complement: NPC1 is on the minus strand). VCF-style: chr18-23545024-T-C. GRCh37 (hg19) VCF-style: chr18-21124988-T-C.
Other names: short protein forms Y628C.
Identifiers: ClinVar variation 1696115 (VCV001696115.2), dbSNP rs2058768795, ClinGen allele CA401772338.